The following is an entry in ClinVar:

NM_078626.3(CDKN2C):c.18G>A (p.Gly6=)

Gene: CDKN2C (cyclin dependent kinase inhibitor 2C; plus strand). Cytogenetic location: 1p32.3.
Variant type: single nucleotide variant.
Coding change: c.18G>A on transcript NM_078626.3 (MANE Select); coding-DNA position 18, G replaced by A.
Protein change: p.Gly6=; no amino-acid change (glycine 6 retained).
Molecular consequence: synonymous variant.
Genome position (GRCh38, 1-based): chr1:50,970,386, G>A. VCF-style: chr1-50970386-G-A. GRCh37 (hg19) VCF-style: chr1-51436058-G-A.
Other names: c.18G>A, p.Gly6= (NM_001262.3).
Identifiers: ClinVar variation 2570726 (VCV002570726.27), dbSNP rs1645373332, ClinGen allele CA417669375.
Genomic context (GRCh38, chr1:50,970,386, plus strand): 5'-AAACGACTAATTCATCTTTTCCTGATCGTCAGGACCCTAAAGAATGGCCGAGCCTTGGGG[G>A]AACGAGTTGGCGTCCGCAGCTGCCAGGGGGGACCTAGAGCAACTTACTAGTTTGTTGCAA-3'
Protein context (NP_523240.1, residues 1-16): MAEPW[Gly6=]NELASAAARG

ClinVar aggregate classification (germline): Uncertain significance (1 of 4 stars; one submission).

Allele frequency attached by ClinVar (database versions not stated): gnomAD exomes below 0.00001; TOPMed 0.00001.
gnomAD v4.1: 5 of 1,614,146 alleles (0.00031%); highest among the groups gnomAD compares: Non-Finnish European, 0.00042%; no homozygotes.

Submission:

CeGaT Center for Human Genetics Tuebingen
Classification: Uncertain significance. Last evaluated: 2023-04-01. Review status: criteria provided, single submitter. Criteria: CeGaT Center For Human Genetics Tuebingen Variant Classification Criteria Version 2. Collection method: clinical testing. Allele origin: germline. Affected: yes. Observed: 1 variant allele.
Comment: CDKN2C: PM2, BP4